The following is an entry in ClinVar:

ClinVar aggregate classification (germline): Uncertain significance (1 of 4 stars; one submission).

gnomAD v4.1: 3 of 1,611,284 alleles (0.00019%); highest among the groups gnomAD compares: Non-Finnish European, 0.00025%; no homozygotes.

Submission:

Ambry Genetics
Classification: Uncertain significance. Last evaluated: 2024-12-14. Review status: criteria provided, single submitter. Criteria: Ambry Variant Classification Scheme 2023. Collection method: clinical testing. Allele origin: germline.
Comment: The p.L883H variant (also known as c.2648T>A), located in coding exon 7 of the CDK12 gene, results from a T to A substitution at nucleotide position 2648. The leucine at codon 883 is replaced by histidine, an amino acid with similar properties. This amino acid position is conserved. In addition, this alteration is predicted to be deleterious by in silico analysis. Based on the available evidence, the clinical significance of this variant remains unclear.

NM_016507.4(CDK12):c.2648T>A (p.Leu883His)

Gene: CDK12 (cyclin dependent kinase 12; plus strand). Cytogenetic location: 17q12.
Variant type: single nucleotide variant.
Coding change: c.2648T>A on transcript NM_016507.4 (MANE Select); coding-DNA position 2648, T replaced by A.
Protein change: p.Leu883His; replaces leucine 883 with histidine.
Molecular consequence: missense variant.
Genome position (GRCh38, 1-based): chr17:39,509,743, T>A. VCF-style: chr17-39509743-T-A. GRCh37 (hg19) VCF-style: chr17-37665996-T-A.
Other names: c.2648T>A, p.Leu883His (NM_015083.4); short protein forms L883H.
Identifiers: ClinVar variation 3830334 (VCV003830334.1).